The following is an entry in ClinVar:

NM_024422.6(DSC2):c.1418C>T (p.Pro473Leu)

Gene: DSC2 (desmocollin 2; minus strand). Cytogenetic location: 18q12.1.
Variant type: single nucleotide variant.
Coding change: c.1418C>T on transcript NM_024422.6 (MANE Select); coding-DNA position 1418, C replaced by T.
Protein change: p.Pro473Leu; replaces proline 473 with leucine.
Molecular consequence: missense variant.
Genome position (GRCh38, 1-based): chr18:31,080,198, G>A on the plus strand (C>T on the coding strand, the complement: DSC2 is on the minus strand). VCF-style: chr18-31080198-G-A. GRCh37 (hg19) VCF-style: chr18-28660164-G-A.
Other names: c.1418C>T, p.Pro473Leu (NM_004949.5); short protein forms P473L.
Identifiers: ClinVar variation 1332069 (VCV001332069.8), dbSNP rs1987166340, ClinGen allele CA402108542.

ClinVar aggregate classification (germline): Uncertain significance. Review status: criteria provided, multiple submitters, no conflicts (2 of 4 stars). 4 submissions from 4 submitters: Uncertain significance (4). Last evaluated 2026-01-12.

Conditions:
Cardiovascular phenotype. Identifiers: MedGen CN230736.
Cardiomyopathy (CMYO). Also called: Cardiomyopathies. Identifiers: Orphanet 167848, MedGen C0878544, MONDO:0004994, HP:0001638. Inheritance: Various modes of inheritance.
Arrhythmogenic right ventricular dysplasia 11. Also called: Arrhythmogenic Right Ventricular Dysplasia/Cardiomyopathy11; ARRHYTHMOGENIC RIGHT VENTRICULAR DYSPLASIA, FAMILIAL, 11; Arrhythmogenic right ventricular dysplasia 11 with mild palmoplantar keratoderma and woolly hair. Identifiers: MedGen C1864850, MONDO:0012506, OMIM 610476.

Allele frequency attached by ClinVar (database versions not stated): gnomAD exomes below 0.00001; TOPMed below 0.00001.
gnomAD v4.1: 1 of 1,614,052 alleles (0.000062%); highest among the groups gnomAD compares: Non-Finnish European, 0.000085%; no homozygotes.

Submissions (4):

GeneDx
Classification: Uncertain significance. Last evaluated: 2026-01-12. Review status: criteria provided, single submitter. Criteria: GeneDx Variant Classification Process June 2021. Collection method: clinical testing. Allele origin: germline.
Comment: Not observed at significant frequency in large population cohorts (gnomAD); In silico analysis supports that this missense variant has a deleterious effect on protein structure/function; Has not been previously published as pathogenic or benign to our knowledge

Ambry Genetics
Classification: Uncertain significance for Cardiovascular phenotype. Last evaluated: 2025-12-22. Review status: criteria provided, single submitter. Criteria: Ambry Variant Classification Scheme 2023. Collection method: clinical testing. Allele origin: germline.

Labcorp Genetics (formerly Invitae), Labcorp
Classification: Uncertain significance for Arrhythmogenic right ventricular dysplasia 11. Last evaluated: 2023-11-05. Review status: criteria provided, single submitter. Criteria: Invitae Variant Classification Sherloc (09022015). Collection method: clinical testing. Allele origin: germline.
Comment: This sequence change replaces proline, which is neutral and non-polar, with leucine, which is neutral and non-polar, at codon 473 of the DSC2 protein (p.Pro473Leu). This variant is not present in population databases (gnomAD no frequency). This variant has not been reported in the literature in individuals affected with DSC2-related conditions. ClinVar contains an entry for this variant (Variation ID: 1332069). Advanced modeling of protein sequence and biophysical properties (such as structural, functional, and spatial information, amino acid conservation, physicochemical variation, residue mobility, and thermodynamic stability) performed at Invitae indicates that this missense variant is expected to disrupt DSC2 protein function with a positive predictive value of 80%. In summary, the available evidence is currently insufficient to determine the role of this variant in disease. Therefore, it has been classified as a Variant of Uncertain Significance.

Color Diagnostics, LLC DBA Color Health
Classification: Uncertain significance for Cardiomyopathy. Last evaluated: 2021-07-27. Review status: criteria provided, single submitter. Criteria: ACMG Guidelines, 2015. Collection method: clinical testing. Allele origin: germline.
Comment: This missense variant replaces proline with leucine at codon 473 of the DSC2 protein. Computational prediction suggests that this variant may not impact protein structure and function (internally defined REVEL score threshold <= 0.5, PMID: 27666373). To our knowledge, functional studies have not been reported for this variant. This variant has not been reported in individuals affected with cardiovascular disorders in the literature. This variant has not been identified in the general population by the Genome Aggregation Database (gnomAD). The available evidence is insufficient to determine the role of this variant in disease conclusively. Therefore, this variant is classified as a Variant of Uncertain Significance.